The following is an entry in ClinVar:

ClinVar aggregate classification (germline): Uncertain significance (1 of 4 stars; one submission).

Allele frequency attached by ClinVar (database versions not stated): gnomAD exomes below 0.00001; ExAC 0.00001.
gnomAD v4.1: 1 of 1,613,546 alleles (0.000062%); highest among the groups gnomAD compares: South Asian, 0.0011%; no homozygotes.

Submission:

Labcorp Genetics (formerly Invitae), Labcorp
Classification: Uncertain significance. Last evaluated: 2021-06-05. Review status: criteria provided, single submitter. Criteria: Invitae Variant Classification Sherloc (09022015). Collection method: clinical testing. Allele origin: germline.
Comment: In summary, the available evidence is currently insufficient to determine the role of this variant in disease. Therefore, it has been classified as a Variant of Uncertain Significance. This variant disrupts the triple helix domain of COL7A1. Glycine residues within the Gly-Xaa-Yaa repeats of the triple helix domain are required for the structure and stability of fibrillar collagens (PMID: 7695699, 8218237, 19344236), and variants at these glycine residues in COL7A1 are more frequently observed in individuals with disease than in the general population (PMID: 22058051). However, the clinical significance of this observation remains uncertain since only a limited number of affected individuals have been described to date. Algorithms developed to predict the effect of sequence changes on RNA splicing suggest that this variant may create or strengthen a splice site, but this prediction has not been confirmed by published transcriptional studies. Advanced modeling of protein sequence and biophysical properties (such as structural, functional, and spatial information, amino acid conservation, physicochemical variation, residue mobility, and thermodynamic stability) performed at Invitae indicates that this missense variant is expected to disrupt COL7A1 protein function. This missense change has been observed in individual(s) with autosomal recessive dystrophic epidermolysis bullosa (PMID: 26707537). This variant is present in population databases (rs758941226, ExAC 0.006%). This sequence change replaces glycine with arginine at codon 1516 of the COL7A1 protein (p.Gly1516Arg). The glycine residue is highly conserved and there is a moderate physicochemical difference between glycine and arginine.

Literature cited by the submitters: PubMed 7695699; PubMed 8218237; PubMed 19344236; PubMed 22058051; PubMed 26707537.

NM_000094.4(COL7A1):c.4546G>A (p.Gly1516Arg)

Gene: COL7A1 (collagen type VII alpha 1 chain; minus strand). Cytogenetic location: 3p21.31.
Variant type: single nucleotide variant.
Coding change: c.4546G>A on transcript NM_000094.4 (MANE Select); coding-DNA position 4546, G replaced by A.
Protein change: p.Gly1516Arg; replaces glycine 1516 with arginine.
Molecular consequence: missense variant.
Genome position (GRCh38, 1-based): chr3:48,582,626, C>T on the plus strand (G>A on the coding strand, the complement: COL7A1 is on the minus strand). VCF-style: chr3-48582626-C-T. GRCh37 (hg19) VCF-style: chr3-48620059-C-T.
Other names: short protein forms G1516R.
Identifiers: ClinVar variation 1431684 (VCV001431684.8), dbSNP rs758941226, ClinGen allele CA2379964.